The following is an entry in ClinVar:

NM_000135.4(FANCA):c.1901-8T>A

Gene: FANCA (FA complementation group A; minus strand). Cytogenetic location: 16q24.3.
Variant type: single nucleotide variant.
Coding change: c.1901-8T>A on transcript NM_000135.4 (MANE Select); 8 bases into the intron before coding-DNA position 1901, T replaced by A.
Molecular consequence: intron variant.
Genome position (GRCh38, 1-based): chr16:89,773,392, A>T on the plus strand (T>A on the coding strand, the complement: FANCA is on the minus strand). VCF-style: chr16-89773392-A-T. GRCh37 (hg19) VCF-style: chr16-89839800-A-T.
Other names: c.1901-8T>A (NM_001286167.3).
Identifiers: ClinVar variation 3059317 (VCV003059317.2), dbSNP rs2544207764, ClinGen allele CA2740095178.

ClinVar aggregate classification (germline): Likely benign (0 of 4 stars; one submission).

Conditions:
FANCA-related disorder. Also called: FANCA-related condition.

Submission:

PreventionGenetics, part of Exact Sciences
Classification: Likely benign for FANCA-related condition. Last evaluated: 2023-11-01. Review status: no assertion criteria provided. Collection method: clinical testing. Allele origin: germline.
Comment: This variant is classified as likely benign based on ACMG/AMP sequence variant interpretation guidelines (Richards et al. 2015 PMID: 25741868, with internal and published modifications).